The following is an entry in ClinVar:

NM_004281.4(BAG3):c.1213G>T (p.Ala405Ser)

Gene: BAG3 (BAG cochaperone 3; plus strand). Cytogenetic location: 10q26.11.
Variant type: single nucleotide variant.
Coding change: c.1213G>T on transcript NM_004281.4 (MANE Select); coding-DNA position 1213, G replaced by T.
Protein change: p.Ala405Ser; replaces alanine 405 with serine.
Molecular consequence: missense variant.
Genome position (GRCh38, 1-based): chr10:119,676,767, G>T. VCF-style: chr10-119676767-G-T. GRCh37 (hg19) VCF-style: chr10-121436279-G-T.
Other names: short protein forms A405S.
Identifiers: ClinVar variation 1025151 (VCV001025151.6), dbSNP rs1416464425, ClinGen allele CA378296848.

ClinVar aggregate classification (germline): Uncertain significance (1 of 4 stars; one submission).

Conditions:
Myofibrillar myopathy 6. Identifiers: Orphanet 199340, MedGen C2751831, MONDO:0013061, OMIM 612954.
Dilated cardiomyopathy 1HH (CMD1HH). Identifiers: Orphanet 154, MedGen C3151293, MONDO:0013479, OMIM 613881.

Allele frequency attached by ClinVar (database versions not stated): TOPMed 0.00001.
gnomAD v4.1: 1 of 1,614,162 alleles (0.000062%); highest among the groups gnomAD compares: Non-Finnish European, 0.000085%; no homozygotes.

Submission:

Labcorp Genetics (formerly Invitae), Labcorp
Classification: Uncertain significance for Dilated cardiomyopathy 1HH; Myofibrillar myopathy 6. Last evaluated: 2021-09-21. Review status: criteria provided, single submitter. Criteria: Invitae Variant Classification Sherloc (09022015). Collection method: clinical testing. Allele origin: germline.
Comment: In summary, the available evidence is currently insufficient to determine the role of this variant in disease. Therefore, it has been classified as a Variant of Uncertain Significance. This sequence change replaces alanine with serine at codon 405 of the BAG3 protein (p.Ala405Ser). The alanine residue is weakly conserved and there is a moderate physicochemical difference between alanine and serine. This variant is not present in population databases (ExAC no frequency). This variant has not been reported in the literature in individuals affected with BAG3-related conditions. Algorithms developed to predict the effect of missense changes on protein structure and function are either unavailable or do not agree on the potential impact of this missense change (SIFT: "Tolerated"; PolyPhen-2: "Not Available"; Align-GVGD: "Class C0").